The following is an entry in ClinVar:

ClinVar aggregate classification (germline): Uncertain significance. Review status: criteria provided, multiple submitters, no conflicts (2 of 4 stars). 3 submissions from 3 submitters: Uncertain significance (2). 1 of the submissions does not count toward it. Last evaluated 2024-12-03.

Conditions:
Congenital lactic acidosis, Saguenay-Lac-Saint-Jean type (MC4DN5). Also called: CYTOCHROME c OXIDASE DEFICIENCY, FRENCH CANADIAN TYPE; COX DEFICIENCY, FRENCH CANADIAN TYPE; MITOCHONDRIAL COMPLEX IV DEFICIENCY, NUCLEAR TYPE 5. Identifiers: Orphanet 70472, MedGen C1857355, MONDO:0009069, OMIM 220111.

Submissions (3):

GeneDx
Classification: Uncertain significance. Last evaluated: 2024-12-03. Review status: criteria provided, single submitter. Criteria: GeneDx Variant Classification Process June 2021. Collection method: clinical testing. Allele origin: germline. Affected: yes.
Comment: Not observed at significant frequency in large population cohorts (gnomAD); In-frame deletion of 1 amino acid(s) in a non-repeat region; In silico analysis supports a deleterious effect on protein structure/function; Has not been previously published as pathogenic or benign to our knowledge

Labcorp Genetics (formerly Invitae), Labcorp
Classification: Uncertain significance. Last evaluated: 2022-03-19. Review status: criteria provided, single submitter. Criteria: Invitae Variant Classification Sherloc (09022015). Collection method: clinical testing. Allele origin: germline.
Comment: This variant, c.3867_3869del, results in the deletion of 1 amino acid(s) of the LRPPRC protein (p.Leu1289del), but otherwise preserves the integrity of the reading frame. This variant is present in population databases (rs759297611, gnomAD 0.003%). This variant has not been reported in the literature in individuals affected with LRPPRC-related conditions. ClinVar contains an entry for this variant (Variation ID: 554317). Experimental studies and prediction algorithms are not available or were not evaluated, and the functional significance of this variant is currently unknown. In summary, the available evidence is currently insufficient to determine the role of this variant in disease. Therefore, it has been classified as a Variant of Uncertain Significance.

Counsyl
Classification: Uncertain significance for Congenital lactic acidosis, Saguenay-Lac-Saint-Jean type. Last evaluated: 2017-10-16. Review status: no assertion criteria provided. Collection method: clinical testing. Allele origin: unknown. Not counted in ClinVar's aggregate classification.

NM_133259.4(LRPPRC):c.3861GTT[2] (p.Leu1289del)

Gene: LRPPRC (leucine rich pentatricopeptide repeat containing; minus strand). Cytogenetic location: 2p21.
Variant type: Microsatellite.
Coding change: c.3861GTT[2] on transcript NM_133259.4 (MANE Select); two copies in a row of the 3-base unit GTT starting at c.3861; the reference has three copies in a row; one copy, 3 bases deleted; also written c.3867_3869del.
Protein change: p.Leu1289del; deletes leucine 1289.
Molecular consequence: inframe deletion.
Genome position (GRCh38, 1-based): chr2:43,896,665-43,896,667, AAC deleted on the plus strand (GTT on the coding strand, the reverse complement: LRPPRC is on the minus strand); deleting any 3 consecutive bases within chr2:43,896,665-43,896,675 gives the same sequence; the position shown is the placement nearest the transcript's 3' end. VCF-style (leftmost placement, unchanged base first): chr2-43896664-GAAC-G. GRCh37 (hg19) VCF-style: chr2-44123803-GAAC-G.
Other names: c.3867_3869del (NM_133259.3); c.3867_3869delGTT (NM_133259.3); short protein forms L1289del.
Identifiers: ClinVar variation 554317 (VCV000554317.5), dbSNP rs759297611, ClinGen allele CA1637911.